The following is an entry in ClinVar:

ClinVar aggregate classification (germline): Uncertain significance. Review status: criteria provided, multiple submitters, no conflicts (2 of 4 stars). 2 submissions from 2 submitters: Uncertain significance (2). Last evaluated 2025-07-13.

Allele frequency attached by ClinVar (database versions not stated): gnomAD exomes below 0.00001.
gnomAD v4.1: 4 of 1,613,168 alleles (0.00025%); highest among the groups gnomAD compares: Non-Finnish European, 0.00034%; no homozygotes.

Submissions (2):

Labcorp Genetics (formerly Invitae), Labcorp
Classification: Uncertain significance. Last evaluated: 2025-07-13. Review status: criteria provided, single submitter. Criteria: Invitae Variant Classification Sherloc (09022015). Collection method: clinical testing. Allele origin: germline.
Comment: This sequence change replaces isoleucine, which is neutral and non-polar, with valine, which is neutral and non-polar, at codon 61 of the RELA protein (p.Ile61Val). This variant is not present in population databases (gnomAD no frequency). This variant has not been reported in the literature in individuals affected with RELA-related conditions. ClinVar contains an entry for this variant (Variation ID: 2088741). An algorithm developed to predict the effect of missense changes on protein structure and function (PolyPhen-2) suggests that this variant is likely to be tolerated. In summary, the available evidence is currently insufficient to determine the role of this variant in disease. Therefore, it has been classified as a Variant of Uncertain Significance.

Ambry Genetics
Classification: Uncertain significance. Last evaluated: 2024-11-23. Review status: criteria provided, single submitter. Criteria: Ambry Variant Classification Scheme 2023. Collection method: clinical testing. Allele origin: germline.

NM_021975.4(RELA):c.181A>G (p.Ile61Val)

Gene: RELA (RELA proto-oncogene, NF-kB subunit; minus strand). Cytogenetic location: 11q13.1.
Variant type: single nucleotide variant.
Coding change: c.181A>G on transcript NM_021975.4 (MANE Select); coding-DNA position 181, A replaced by G.
Protein change: p.Ile61Val; replaces isoleucine 61 with valine.
Molecular consequence: missense variant.
Genome position (GRCh38, 1-based): chr11:65,661,942, T>C on the plus strand (A>G on the coding strand, the complement: RELA is on the minus strand). VCF-style: chr11-65661942-T-C. GRCh37 (hg19) VCF-style: chr11-65429413-T-C.
Other names: c.181A>G, p.Ile61Val (NM_001145138.2, NM_001243984.2, NM_001243985.2 and 3 more transcripts); c.154A>G, p.Ile52Val (NM_001404658.1); c.-109A>G (NM_001404661.1); c.88A>G, p.Ile30Val (NM_001404662.1, NM_001404663.1); c.181A>G (NM_021975.3); short protein forms I52V, I61V, I30V.
Identifiers: ClinVar variation 2088741 (VCV002088741.5), dbSNP rs2496869423, ClinGen allele CA381394795.